The following is an entry in ClinVar:

ClinVar aggregate classification (germline): Uncertain significance. Review status: criteria provided, multiple submitters, no conflicts (2 of 4 stars). 3 submissions from 3 submitters: Uncertain significance (2). 1 of the submissions does not count toward it. Last evaluated 2022-11-08.

Conditions:
Retinitis pigmentosa with or without situs inversus. Also called: Retinitis pigmentosa 82; Retinitis pigmentosa 82 with or without situs inversus. Identifiers: Orphanet 791, MedGen C4747737, MONDO:0014186, OMIM 615434.

Allele frequency attached by ClinVar (database versions not stated): ExAC 0.00001; TOPMed 0.00001; gnomAD exomes 0.00002 and 0.00005; gnomAD 0.00003.

Submissions (3):

Labcorp Genetics (formerly Invitae), Labcorp
Classification: Uncertain significance. Last evaluated: 2022-11-08. Review status: criteria provided, single submitter. Criteria: Invitae Variant Classification Sherloc (09022015). Collection method: clinical testing. Allele origin: germline.
Comment: ClinVar contains an entry for this variant (Variation ID: 65474). In summary, the available evidence is currently insufficient to determine the role of this variant in disease. Therefore, it has been classified as a Variant of Uncertain Significance. Experimental studies have shown that this missense change affects ARL2BP function (PMID: 23849777). Algorithms developed to predict the effect of missense changes on protein structure and function are either unavailable or do not agree on the potential impact of this missense change (SIFT: "Deleterious"; PolyPhen-2: "Probably Damaging"; Align-GVGD: "Class C0"). This missense change has been observed in individuals with retinitis pigmentosa (PMID: 23849777). This variant is present in population databases (rs398123053, gnomAD 0.004%). This sequence change replaces methionine, which is neutral and non-polar, with arginine, which is basic and polar, at codon 45 of the ARL2BP protein (p.Met45Arg).

Blueprint Genetics
Classification: Uncertain significance. Last evaluated: 2021-10-25. Review status: criteria provided, single submitter. Criteria: ACMG Guidelines, 2015. Collection method: clinical testing. Allele origin: germline.

OMIM
Classification: Pathogenic for RETINITIS PIGMENTOSA 82. Last evaluated: 2013-08-08. Review status: no assertion criteria provided. Collection method: literature only. Allele origin: germline. Not counted in ClinVar's aggregate classification.

Literature cited by the submitters: PubMed 23849777 (cited by Labcorp Genetics (formerly Invitae), Labcorp and OMIM).

NM_012106.4(ARL2BP):c.134T>G (p.Met45Arg)

Gene: ARL2BP (ARF like GTPase 2 binding protein; plus strand). Cytogenetic location: 16q13.
Variant type: single nucleotide variant.
Coding change: c.134T>G on transcript NM_012106.4 (MANE Select); coding-DNA position 134, T replaced by G.
Protein change: p.Met45Arg; replaces methionine 45 with arginine.
Molecular consequence: missense variant.
Genome position (GRCh38, 1-based): chr16:57,248,570, T>G. VCF-style: chr16-57248570-T-G. GRCh37 (hg19) VCF-style: chr16-57282482-T-G.
Other names: short protein forms M45R.
Identifiers: ClinVar variation 65474 (VCV000065474.10), dbSNP rs398123053, ClinGen allele CA144805.